The following is an entry in ClinVar:

NM_007294.4(BRCA1):c.4042G>C (p.Gly1348Arg)

Genes: BRCA1 (BRCA1 DNA repair associated; minus strand), LOC126862571 (BRD4-independent group 4 enhancer GRCh37_chr17:41243136-41244335; plus strand). Cytogenetic location: 17q21.31.
Variant type: single nucleotide variant.
Coding change: c.4042G>C on transcript NM_007294.4 (MANE Select); coding-DNA position 4042, G replaced by C.
Protein change: p.Gly1348Arg; replaces glycine 1348 with arginine.
Molecular consequence: missense variant. On other transcripts: intron variant (135).
Genome position (GRCh38, 1-based): chr17:43,091,489, C>G on the plus strand (G>C on the coding strand, the complement: BRCA1 is on the minus strand). VCF-style: chr17-43091489-C-G. GRCh37 (hg19) VCF-style: chr17-41243506-C-G.
Other names: c.3829G>C, p.Gly1277Arg (NM_001407571.1, NM_001407853.1, NM_001407894.1 and 9 more transcripts); c.4042G>C, p.Gly1348Arg (NM_001407581.1, NM_001407582.1, NM_001407583.1 and 30 more transcripts); c.4039G>C, p.Gly1347Arg (NM_001407587.1, NM_001407590.1, NM_001407591.1 and 22 more transcripts); c.4033G>C, p.Gly1345Arg (NM_001407646.1, NM_001407647.1); c.3919G>C, p.Gly1307Arg (NM_001407648.1, NM_001407664.1, NM_001407665.1 and 19 more transcripts); c.3916G>C, p.Gly1306Arg (NM_001407649.1, NM_001407670.1, NM_001407671.1 and 11 more transcripts); c.3964G>C, p.Gly1322Arg (NM_001407653.1, NM_001407654.1, NM_001407655.1 and 4 more transcripts); c.3961G>C, p.Gly1321Arg (NM_001407659.1, NM_001407660.1, NM_001407661.1 and 1 more transcripts); and 41 more; short protein forms G1052R, G1180R, G1220R, G1221R, G1236R, G1237R, G1259R, G1260R.
Identifiers: ClinVar variation 4537129 (VCV004537129.2).

ClinVar aggregate classification (germline): Uncertain significance. Review status: criteria provided, multiple submitters, no conflicts (2 of 4 stars). 2 submissions from 2 submitters: Uncertain significance (2). Last evaluated 2025-11-03.

Conditions:
Hereditary cancer-predisposing syndrome. Also called: Tumor predisposition; Hereditary Cancer Syndrome; Hereditary neoplastic syndrome; Neoplastic Syndromes, Hereditary. Identifiers: Orphanet 140162, MedGen C0027672, MeSH D009386, MONDO:0015356.

Submissions (2):

Women's Health and Genetics/Laboratory Corporation of America, LabCorp
Classification: Uncertain significance. Last evaluated: 2025-11-03. Review status: criteria provided, single submitter. Criteria: LabCorp Variant Classification Summary - May 2015. Collection method: clinical testing. Allele origin: germline.
Comment: Variant summary: BRCA1 c.4042G>C (p.Gly1348Arg) results in a non-conservative amino acid change in the encoded protein sequence. Algorithms developed to predict the effect of missense changes on protein structure and function are either unavailable or do not agree on the potential impact of this missense change. The variant was absent in 251086 control chromosomes. The available data on variant occurrences in the general population are insufficient to allow any conclusion about variant significance. To our knowledge, no occurrence of c.4042G>C in individuals affected with BRCA1-related conditions and no experimental evidence demonstrating its impact on protein function have been reported. No submitters have cited clinical-significance assessments for this variant to ClinVar. Based on the evidence outlined above, the variant was classified as uncertain significance.

Color Diagnostics, LLC DBA Color Health
Classification: Uncertain significance for Hereditary cancer-predisposing syndrome. Last evaluated: 2025-08-26. Review status: criteria provided, single submitter. Criteria: ACMG Guidelines, 2015. Collection method: clinical testing. Allele origin: germline.
Comment: This missense variant replaces glycine with arginine at codon 1348 of the BRCA1 protein. Computational prediction suggests that this variant may not impact protein structure and function. To our knowledge, functional studies have not been reported for this variant. This variant has not been reported in individuals affected with BRCA1-related disorders in the literature. This variant has not been identified in the general population by the Genome Aggregation Database (gnomAD). The available evidence is insufficient to determine the role of this variant in disease conclusively. Therefore, this variant is classified as a Variant of Uncertain Significance.